The following is an entry in ClinVar:

NM_002381.5(MATN3):c.83C>T (p.Pro28Leu)

Gene: MATN3 (matrilin 3; minus strand). Cytogenetic location: 2p24.1.
Variant type: single nucleotide variant.
Coding change: c.83C>T on transcript NM_002381.5 (MANE Select); coding-DNA position 83, C replaced by T.
Protein change: p.Pro28Leu; replaces proline 28 with leucine.
Molecular consequence: missense variant.
Genome position (GRCh38, 1-based): chr2:20,012,549, G>A on the plus strand (C>T on the coding strand, the complement: MATN3 is on the minus strand). VCF-style: chr2-20012549-G-A. GRCh37 (hg19) VCF-style: chr2-20212310-G-A.
Other names: c.83C>T (NM_002381.4); short protein forms P28L.
Identifiers: ClinVar variation 1435438 (VCV001435438.9), dbSNP rs1266524495, ClinGen allele CA345951826.
Genomic context (GRCh38, chr2:20,012,549, plus strand): 5'-GGGCTGCCCCCGGGACCTCGGGTCTCCAGCCTCCGGAAGCCCGGGCGGGCCACGGGGTCG[G>A]GGGCGGCGGAGGGCAGCAGCAGCAGCGGCCAGAGCAGCAGGAGGAGTCCCGGGAGGCGGC-3'
Protein context (NP_002372.1, residues 18-38): WPLLLLPSAA[Pro28Leu]DPVARPGFRR

ClinVar aggregate classification (germline): Uncertain significance. Review status: criteria provided, multiple submitters, no conflicts (2 of 4 stars). 2 submissions from 2 submitters: Uncertain significance (2). Last evaluated 2025-04-10.

Conditions:
Inborn genetic diseases. Identifiers: MedGen C0950123, MeSH D030342.

Allele frequency attached by ClinVar (database versions not stated): gnomAD 0.00001.

Submissions (2):

Ambry Genetics
Classification: Uncertain significance for Inborn genetic diseases. Last evaluated: 2025-04-10. Review status: criteria provided, single submitter. Criteria: Ambry Variant Classification Scheme 2023. Collection method: clinical testing. Allele origin: germline.

Labcorp Genetics (formerly Invitae), Labcorp
Classification: Uncertain significance. Last evaluated: 2022-06-27. Review status: criteria provided, single submitter. Criteria: Invitae Variant Classification Sherloc (09022015). Collection method: clinical testing. Allele origin: germline.
Comment: Algorithms developed to predict the effect of missense changes on protein structure and function are either unavailable or do not agree on the potential impact of this missense change (SIFT: "Tolerated"; PolyPhen-2: "Not Available"; Align-GVGD: "Class C0"). This sequence change replaces proline, which is neutral and non-polar, with leucine, which is neutral and non-polar, at codon 28 of the MATN3 protein (p.Pro28Leu). This variant is not present in population databases (gnomAD no frequency). This variant has not been reported in the literature in individuals affected with MATN3-related conditions. In summary, the available evidence is currently insufficient to determine the role of this variant in disease. Therefore, it has been classified as a Variant of Uncertain Significance.